The following is an entry in ClinVar:

NM_206933.4(USH2A):c.15190C>T (p.Gln5064Ter)

Gene: USH2A (usherin; minus strand). Cytogenetic location: 1q41.
Variant type: single nucleotide variant.
Coding change: c.15190C>T on transcript NM_206933.4 (MANE Select); coding-DNA position 15190, C replaced by T.
Protein change: p.Gln5064Ter; replaces glutamine 5064 with a stop codon.
Molecular consequence: nonsense.
Genome position (GRCh38, 1-based): chr1:215,634,566, G>A on the plus strand (C>T on the coding strand, the complement: USH2A is on the minus strand). VCF-style: chr1-215634566-G-A. GRCh37 (hg19) VCF-style: chr1-215807908-G-A.
Other names: short protein forms Q5064*.
Identifiers: ClinVar variation 2008218 (VCV002008218.4), dbSNP rs1448248120, ClinGen allele CA344823859.

ClinVar aggregate classification (germline): Pathogenic (1 of 4 stars; one submission).

Submission:

Labcorp Genetics (formerly Invitae), Labcorp
Classification: Pathogenic. Last evaluated: 2025-03-30. Review status: criteria provided, single submitter. Criteria: Invitae Variant Classification Sherloc (09022015). Collection method: clinical testing. Allele origin: germline.
Comment: This sequence change creates a premature translational stop signal (p.Gln5064*) in the USH2A gene. It is expected to result in an absent or disrupted protein product. Loss-of-function variants in USH2A are known to be pathogenic (PMID: 10729113, 10909849, 20507924, 25649381). This variant is not present in population databases (gnomAD no frequency). This variant has not been reported in the literature in individuals affected with USH2A-related conditions. ClinVar contains an entry for this variant (Variation ID: 2008218). For these reasons, this variant has been classified as Pathogenic.

Literature cited by the submitters: PubMed 10729113; PubMed 10909849; PubMed 20507924; PubMed 25649381.